The following is an entry in ClinVar:

ClinVar aggregate classification (germline): Uncertain significance (1 of 4 stars; one submission).

Submission:

GeneDx
Classification: Uncertain significance. Last evaluated: 2024-09-03. Review status: criteria provided, single submitter. Criteria: GeneDx Variant Classification Process June 2021. Collection method: clinical testing. Allele origin: germline. Affected: yes.
Comment: Not observed at significant frequency in large population cohorts (gnomAD); In silico analysis supports that this missense variant has a deleterious effect on protein structure/function; Has not been previously published as pathogenic or benign to our knowledge

NM_001367873.1(SOX6):c.358C>T (p.Pro120Ser)

Gene: SOX6 (SRY-box transcription factor 6; minus strand). Cytogenetic location: 11p15.2.
Variant type: single nucleotide variant.
Coding change: c.358C>T on transcript NM_001367873.1 (MANE Select); coding-DNA position 358, C replaced by T.
Protein change: p.Pro120Ser; replaces proline 120 with serine.
Molecular consequence: missense variant.
Genome position (GRCh38, 1-based): chr11:16,318,533, G>A on the plus strand (C>T on the coding strand, the complement: SOX6 is on the minus strand). VCF-style: chr11-16318533-G-A. GRCh37 (hg19) VCF-style: chr11-16340079-G-A.
Other names: c.358C>T, p.Pro120Ser (NM_001145811.2, NM_001145819.2, NM_001367872.1 and 2 more transcripts); short protein forms P120S.
Identifiers: ClinVar variation 3767648 (VCV003767648.1).
Genomic context (GRCh38, chr11:16,318,533, plus strand): 5'-CAAGCTTCTTCTGTTTCAGTGTGTCCACCACATCGGCAAGACTCCCTTTGCGGCGCTCTG[G>A]GGTTCCAAAAGTAACACTGGTCATTATCTCACGGTCCCGACTCCCTTCGTCAGGCTTATG-3'
Protein context (NP_001354802.1, residues 110-130): EIMTSVTFGT[Pro120Ser]ERRKGSLADV